The following is an entry in ClinVar:

NM_001567.4(INPPL1):c.271C>T (p.Arg91Cys)

Gene: INPPL1 (inositol polyphosphate phosphatase like 1; plus strand). Cytogenetic location: 11q13.4.
Variant type: single nucleotide variant.
Coding change: c.271C>T on transcript NM_001567.4 (MANE Select); coding-DNA position 271, C replaced by T.
Protein change: p.Arg91Cys; replaces arginine 91 with cysteine.
Molecular consequence: missense variant.
Genome position (GRCh38, 1-based): chr11:72,228,372, C>T. VCF-style: chr11-72228372-C-T. GRCh37 (hg19) VCF-style: chr11-71939416-C-T.
Other names: short protein forms R91C.
Identifiers: ClinVar variation 1502272 (VCV001502272.7), dbSNP rs2135422081, ClinGen allele CA381717701.

ClinVar aggregate classification (germline): Uncertain significance (1 of 4 stars; one submission).

Allele frequency attached by ClinVar (database versions not stated): gnomAD exomes 0.00001.
gnomAD v4.1: 7 of 1,613,516 alleles (0.00043%); highest among the groups gnomAD compares: Middle Eastern, 0.017%; no homozygotes.

Submission:

Labcorp Genetics (formerly Invitae), Labcorp
Classification: Uncertain significance. Last evaluated: 2025-09-03. Review status: criteria provided, single submitter. Criteria: Invitae Variant Classification Sherloc (09022015). Collection method: clinical testing. Allele origin: germline.
Comment: This sequence change replaces arginine, which is basic and polar, with cysteine, which is neutral and slightly polar, at codon 91 of the INPPL1 protein (p.Arg91Cys). This variant is not present in population databases (gnomAD no frequency). This variant has not been reported in the literature in individuals affected with INPPL1-related conditions. ClinVar contains an entry for this variant (Variation ID: 1502272). An algorithm developed to predict the effect of missense changes on protein structure and function (PolyPhen-2) suggests that this variant is likely to be tolerated. In summary, the available evidence is currently insufficient to determine the role of this variant in disease. Therefore, it has been classified as a Variant of Uncertain Significance.